The following is an entry in ClinVar:

NM_003366.4(UQCRC2):c.117+10A>G

Gene: UQCRC2 (ubiquinol-cytochrome c reductase core protein 2). Cytogenetic location: 16p12.2.
Variant type: single nucleotide variant.
Coding change: c.117+10A>G on transcript NM_003366.4 (MANE Select); 10 bases into the intron after coding-DNA position 117, A replaced by G.
Molecular consequence: intron variant.
Genome position (GRCh38, 1-based): chr16:21,957,328, A>G. VCF-style: chr16-21957328-A-G. GRCh37 (hg19) VCF-style: chr16-21968649-A-G.
Identifiers: ClinVar variation 389207 (VCV000389207.10), dbSNP rs369087958, ClinGen allele CA7953630.

ClinVar aggregate classification (germline): Benign/Likely benign. Review status: criteria provided, multiple submitters, no conflicts (2 of 4 stars). 3 submissions from 3 submitters: Benign (1); Likely benign (2). Last evaluated 2024-11-01.

Allele frequency attached by ClinVar (database versions not stated): gnomAD exomes 0.00006 and 0.00029; ESP Exome Variant Server 0.00008; gnomAD 0.00017 and 0.00018; ExAC 0.00023; TOPMed 0.00027.
gnomAD v4.1: 155 of 1,614,024 alleles (0.0096%); highest among the groups gnomAD compares: East Asian, 0.22%; no homozygotes.

Submissions (3):

Blueprint Genetics
Classification: Likely benign. Last evaluated: 2024-11-01. Review status: criteria provided, single submitter. Criteria: ACMG Guidelines, 2015. Collection method: clinical testing. Allele origin: germline.

Labcorp Genetics (formerly Invitae), Labcorp
Classification: Benign. Last evaluated: 2024-10-08. Review status: criteria provided, single submitter. Criteria: Invitae Variant Classification Sherloc (09022015). Collection method: clinical testing. Allele origin: germline.

GeneDx
Classification: Likely benign. Last evaluated: 2016-09-27. Review status: criteria provided, single submitter. Criteria: GeneDx Variant Classification (06012015). Collection method: clinical testing. Allele origin: germline. Affected: yes.
Comment: This variant is considered likely benign or benign based on one or more of the following criteria: it is a conservative change, it occurs at a poorly conserved position in the protein, it is predicted to be benign by multiple in silico algorithms, and/or has population frequency not consistent with disease.